The following is an entry in ClinVar:

ClinVar aggregate classification (germline): Uncertain significance. Review status: criteria provided, single submitter (1 of 4 stars). 3 submissions from 3 submitters: Uncertain significance (1). 2 of the submissions do not count toward it. Last evaluated 2022-08-09.

Conditions:
Cohen syndrome (COH1). Also called: Cutis verticis gyrata, retinitis pigmentosa, and sensorineural deafness; PEPPER SYNDROME. Identifiers: Orphanet 193, MedGen C0265223, MONDO:0008999, OMIM 216550.

Allele frequency attached by ClinVar (database versions not stated): gnomAD 0.00001; gnomAD exomes 0.00002.
gnomAD v4.1: 14 of 1,613,736 alleles (0.00087%); highest among the groups gnomAD compares: Non-Finnish European, 0.0012%; no homozygotes.

Submissions (3):

Labcorp Genetics (formerly Invitae), Labcorp
Classification: Uncertain significance for Cohen syndrome. Last evaluated: 2022-08-09. Review status: criteria provided, single submitter. Criteria: Invitae Variant Classification Sherloc (09022015). Collection method: clinical testing. Allele origin: germline.
Comment: This sequence change replaces asparagine with isoleucine at codon 2600 of the VPS13B protein (p.Asn2600Ile). The asparagine residue is moderately conserved and there is a large physicochemical difference between asparagine and isoleucine. This variant is present in population databases (rs549157416, gnomAD 0.004%). This variant has not been reported in the literature in individuals affected with VPS13B-related conditions. ClinVar contains an entry for this variant (Variation ID: 1297677). Algorithms developed to predict the effect of missense changes on protein structure and function are either unavailable or do not agree on the potential impact of this missense change (SIFT: "Not Available"; PolyPhen-2: "Possibly Damaging"; Align-GVGD: "Not Available"). In summary, the available evidence is currently insufficient to determine the role of this variant in disease. Therefore, it has been classified as a Variant of Uncertain Significance.

Clinical Genetics DNA and cytogenetics Diagnostics Lab, Erasmus MC, Erasmus Medical Center
Classification: Uncertain significance. Review status: no assertion criteria provided. Collection method: clinical testing. Allele origin: germline. Affected: yes. Study: VKGL Data-share Consensus. Not counted in ClinVar's aggregate classification.

Joint Genome Diagnostic Labs from Nijmegen and Maastricht, Radboudumc and MUMC+
Classification: Uncertain significance. Review status: no assertion criteria provided. Collection method: clinical testing. Allele origin: germline. Affected: yes. Study: VKGL Data-share Consensus. Not counted in ClinVar's aggregate classification.

NM_152564.5(VPS13B):c.7724A>T (p.Asn2575Ile)

Gene: VPS13B (vacuolar protein sorting 13 homolog B; plus strand). Cytogenetic location: 8q22.2.
Variant type: single nucleotide variant.
Coding change: c.7724A>T on transcript NM_152564.5 (MANE Select); coding-DNA position 7724, A replaced by T.
Protein change: p.Asn2575Ile; replaces asparagine 2575 with isoleucine.
Molecular consequence: missense variant.
Genome position (GRCh38, 1-based): chr8:99,778,976, A>T. VCF-style: chr8-99778976-A-T. GRCh37 (hg19) VCF-style: chr8-100791204-A-T.
Other names: c.7799A>T, p.Asn2600Ile (NM_017890.5); short protein forms N2575I, N2600I.
Identifiers: ClinVar variation 1297677 (VCV001297677.6), dbSNP rs549157416, ClinGen allele CA183042280.
Genomic context (GRCh38, chr8:99,778,976, plus strand): 5'-CCAGCGATGTAGTGGAAAAGCTGCTTGACTGCACCGTGATAGTTGATTCTGTATTTGTAA[A>T]CCTTGGACAGCATGTAGTCCATTCACTAAACACTGCAATACAAGCTTGGCAACAGGTATG-3'
Protein context (NP_689777.3, residues 2565-2585): CTVIVDSVFV[Asn2575Ile]LGQHVVHSLN